The following is an entry in ClinVar:

NM_004525.3(LRP2):c.6815G>A (p.Arg2272His)

Gene: LRP2 (LDL receptor related protein 2; minus strand). Cytogenetic location: 2q31.1.
Variant type: single nucleotide variant.
Coding change: c.6815G>A on transcript NM_004525.3 (MANE Select); coding-DNA position 6815, G replaced by A.
Protein change: p.Arg2272His; replaces arginine 2272 with histidine.
Molecular consequence: missense variant.
Genome position (GRCh38, 1-based): chr2:169,206,905, C>T on the plus strand (G>A on the coding strand, the complement: LRP2 is on the minus strand). VCF-style: chr2-169206905-C-T. GRCh37 (hg19) VCF-style: chr2-170063415-C-T.
Other names: short protein forms R2272H.
Identifiers: ClinVar variation 1406023 (VCV001406023.6), dbSNP rs1244543854, ClinGen allele CA349172407.

ClinVar aggregate classification (germline): Uncertain significance. Review status: criteria provided, multiple submitters, no conflicts (2 of 4 stars). 2 submissions from 2 submitters: Uncertain significance (2). Last evaluated 2021-12-16.

Conditions:
Donnai-Barrow syndrome. Also called: DBS/FOAR SYNDROME; FACIOOCULOACOUSTICORENAL SYNDROME. Identifiers: Orphanet 2143, MedGen C1857277, MONDO:0009104, OMIM 222448.

Allele frequency attached by ClinVar (database versions not stated): gnomAD 0.00002; gnomAD exomes 0.00002; TOPMed 0.00002.
gnomAD v4.1: 27 of 1,614,022 alleles (0.0017%); highest among the groups gnomAD compares: African/African-American, 0.0053%; no homozygotes.

Submissions (2):

Fulgent Genetics
Classification: Uncertain significance for Donnai-Barrow syndrome. Last evaluated: 2021-12-16. Review status: criteria provided, single submitter. Criteria: ACMG Guidelines, 2015. Collection method: clinical testing. Allele origin: unknown.

Labcorp Genetics (formerly Invitae), Labcorp
Classification: Uncertain significance. Last evaluated: 2021-09-01. Review status: criteria provided, single submitter. Criteria: Invitae Variant Classification Sherloc (09022015). Collection method: clinical testing. Allele origin: germline.
Comment: This sequence change replaces arginine with histidine at codon 2272 of the LRP2 protein (p.Arg2272His). The arginine residue is highly conserved and there is a small physicochemical difference between arginine and histidine. This variant is not present in population databases (ExAC no frequency). This variant has not been reported in the literature in individuals affected with LRP2-related conditions. Algorithms developed to predict the effect of missense changes on protein structure and function are either unavailable or do not agree on the potential impact of this missense change (SIFT: "Deleterious"; PolyPhen-2: "Probably Damaging"; Align-GVGD: "Class C0"). In summary, the available evidence is currently insufficient to determine the role of this variant in disease. Therefore, it has been classified as a Variant of Uncertain Significance.